The following is an entry in ClinVar:

ClinVar aggregate classification (germline): Uncertain significance. Review status: criteria provided, multiple submitters, no conflicts (2 of 4 stars). 2 submissions from 2 submitters: Uncertain significance (2). Last evaluated 2023-03-10.

Conditions:
Hereditary cancer-predisposing syndrome. Also called: Neoplastic Syndromes, Hereditary; Tumor predisposition; Hereditary Cancer Syndrome; Hereditary neoplastic syndrome. Identifiers: Orphanet 140162, MedGen C0027672, MeSH D009386, MONDO:0015356.

Submissions (2):

Blueprint Genetics
Classification: Uncertain significance. Last evaluated: 2023-03-10. Review status: criteria provided, single submitter. Criteria: ACMG Guidelines, 2015. Collection method: clinical testing. Allele origin: germline.

Ambry Genetics
Classification: Uncertain significance for Hereditary cancer-predisposing syndrome. Last evaluated: 2019-11-19. Review status: criteria provided, single submitter. Criteria: Ambry Variant Classification Scheme 2023. Collection method: clinical testing. Allele origin: germline.
Comment: The p.H913P variant (also known as c.2738A>C), located in coding exon 15 of the APC gene, results from an A to C substitution at nucleotide position 2738. The histidine at codon 913 is replaced by proline, an amino acid with similar properties. This amino acid position is well conserved in available vertebrate species. In addition, in silico predictors for this gene do not accurately predict pathogenicity. Since supporting evidence is limited at this time, the clinical significance of this alteration remains unclear.

NM_000038.6(APC):c.2738A>C (p.His913Pro)

Gene: APC (APC regulator of Wnt signaling pathway; plus strand). Cytogenetic location: 5q22.2.
Variant type: single nucleotide variant.
Coding change: c.2738A>C on transcript NM_000038.6 (MANE Select); coding-DNA position 2738, A replaced by C.
Protein change: p.His913Pro; replaces histidine 913 with proline.
Molecular consequence: missense variant.
Genome position (GRCh38, 1-based): chr5:112,838,332, A>C. VCF-style: chr5-112838332-A-C. GRCh37 (hg19) VCF-style: chr5-112174029-A-C.
Other names: c.2738A>C, p.His913Pro (NM_001127510.3, NM_001354895.2); c.2684A>C, p.His895Pro (NM_001127511.3); c.2792A>C, p.His931Pro (NM_001354896.2); c.2768A>C, p.His923Pro (NM_001354897.2); c.2663A>C, p.His888Pro (NM_001354898.2); c.2654A>C, p.His885Pro (NM_001354899.2); c.2615A>C, p.His872Pro (NM_001354900.2); c.2561A>C, p.His854Pro (NM_001354901.2); and 5 more; short protein forms H822P, H895P, H923P, H630P, H753P, H787P, H812P, H872P.
Identifiers: ClinVar variation 821741 (VCV000821741.5), dbSNP rs762572576, ClinGen allele CA16027302.
Genomic context (GRCh38, chr5:112,838,332, plus strand): 5'-AAGTGTCAGCCATTCATACCTCTCAGGAAGACAGAAGTTCTGGGTCTACCACTGAATTAC[A>C]TTGTGTGACAGATGAGAGAAATGCACTTAGAAGAAGCTCTGCTGCCCATACACATTCAAA-3'
Protein context (NP_000029.2, residues 903-923): DRSSGSTTEL[His913Pro]CVTDERNALR